The following is an entry in ClinVar:

NM_000444.6(PHEX):c.1137del (p.Ser379fs)

Gene: PHEX (phosphate regulating endopeptidase X-linked; plus strand). Cytogenetic location: Xp22.11.
Variant type: Deletion.
Coding change: c.1137del on transcript NM_000444.6 (MANE Select); coding-DNA position 1137, one base deleted (C; older notation c.1137delC).
Protein change: p.Ser379fs; shifts the reading frame from serine 379.
Molecular consequence: frameshift variant.
Genome position (GRCh38, 1-based): chrX:22,111,524, C deleted. VCF-style (leftmost placement, unchanged base first): chrX-22111523-GC-G. GRCh37 (hg19) VCF-style: chrX-22129641-GC-G.
Other names: c.1137del, p.Ser379fs (NM_001282754.2); short protein forms S379fs.
Identifiers: ClinVar variation 2766105 (VCV002766105.3), dbSNP rs2518515635, ClinGen allele CA2697552903.

ClinVar aggregate classification (germline): Pathogenic (1 of 4 stars; one submission).

Submission:

Labcorp Genetics (formerly Invitae), Labcorp
Classification: Pathogenic. Last evaluated: 2023-10-05. Review status: criteria provided, single submitter. Criteria: Invitae Variant Classification Sherloc (09022015). Collection method: clinical testing. Allele origin: germline.
Comment: This sequence change creates a premature translational stop signal (p.Ser379Argfs*14) in the PHEX gene. It is expected to result in an absent or disrupted protein product. Loss-of-function variants in PHEX are known to be pathogenic (PMID: 9097956, 9106524, 19219621). This variant is not present in population databases (gnomAD no frequency). This variant has not been reported in the literature in individuals affected with PHEX-related conditions. For these reasons, this variant has been classified as Pathogenic.

Literature cited by the submitters: PubMed 9097956; PubMed 9106524; PubMed 19219621.